The following is an entry in ClinVar:

NM_000321.3(RB1):c.196A>G (p.Ile66Val)

Gene: RB1 (RB transcriptional corepressor 1; plus strand). Cytogenetic location: 13q14.2.
Variant type: single nucleotide variant.
Coding change: c.196A>G on transcript NM_000321.3 (MANE Select); coding-DNA position 196, A replaced by G.
Protein change: p.Ile66Val; replaces isoleucine 66 with valine.
Molecular consequence: missense variant.
Genome position (GRCh38, 1-based): chr13:48,307,338, A>G. VCF-style: chr13-48307338-A-G. GRCh37 (hg19) VCF-style: chr13-48881474-A-G.
Other names: short protein forms I66V.
Identifiers: ClinVar variation 1027088 (VCV001027088.7), dbSNP rs1952089702, ClinGen allele CA388250555.

ClinVar aggregate classification (germline): Uncertain significance (1 of 4 stars; one submission).

Conditions:
Retinoblastoma (RB1). Also called: RETINOBLASTOMA, SOMATIC. Identifiers: Orphanet 790, MedGen C0035335, MeSH D012175, MONDO:0008380, OMIM 180200, HP:0009919. Disease mechanism: loss of function. Inheritance: Both sporadic and heritable forms are tested..

Submission:

Labcorp Genetics (formerly Invitae), Labcorp
Classification: Uncertain significance for Retinoblastoma. Last evaluated: 2021-12-08. Review status: criteria provided, single submitter. Criteria: Invitae Variant Classification Sherloc (09022015). Collection method: clinical testing. Allele origin: germline.
Comment: This sequence change replaces isoleucine, which is neutral and non-polar, with valine, which is neutral and non-polar, at codon 66 of the RB1 protein (p.Ile66Val). This variant is not present in population databases (gnomAD no frequency). This variant has not been reported in the literature in individuals affected with RB1-related conditions. ClinVar contains an entry for this variant (Variation ID: 1027088). Algorithms developed to predict the effect of missense changes on protein structure and function output the following: SIFT: "Tolerated"; PolyPhen-2: "Benign"; Align-GVGD: "Class C0". The valine amino acid residue is found in multiple mammalian species, which suggests that this missense change does not adversely affect protein function. Algorithms developed to predict the effect of sequence changes on RNA splicing suggest that this variant may create or strengthen a splice site. In summary, the available evidence is currently insufficient to determine the role of this variant in disease. Therefore, it has been classified as a Variant of Uncertain Significance.